The following is an entry in ClinVar:

ClinVar aggregate classification (germline): Uncertain significance. Review status: criteria provided, multiple submitters, no conflicts (2 of 4 stars). 2 submissions from 2 submitters: Uncertain significance (2). Last evaluated 2023-10-11.

Conditions:
Inborn genetic diseases. Identifiers: MedGen C0950123, MeSH D030342.
Hereditary sensory and autonomic neuropathy type 6. Also called: Neuropathy, hereditary sensory and autonomic, type VI; HSAN VI. Identifiers: Orphanet 314381, MedGen C3539003, MONDO:0013839, OMIM 614653.
Epidermolysis bullosa simplex 3, localized or generalized intermediate, with BP230 deficiency (EBS3). Also called: Epidermolysis bullosa simplex due to BP230 deficiency; Epidermolysis bullosa simplex, autosomal recessive 2. Identifiers: Orphanet 412181, MedGen C3809470, MONDO:0014180, OMIM 615425.

Allele frequency attached by ClinVar (database versions not stated): TOPMed 0.00001.
gnomAD v4.1: 4 of 1,608,550 alleles (0.00025%); highest among the groups gnomAD compares: Non-Finnish European, 0.00025%; no homozygotes.

Submissions (2):

Labcorp Genetics (formerly Invitae), Labcorp
Classification: Uncertain significance for Epidermolysis bullosa simplex 3, localized or generalized intermediate, with BP230 deficiency; Hereditary sensory and autonomic neuropathy type 6. Last evaluated: 2023-10-11. Review status: criteria provided, single submitter. Criteria: Invitae Variant Classification Sherloc (09022015). Collection method: clinical testing. Allele origin: germline.
Comment: The DST gene has multiple clinically relevant transcripts. This variant occurs in alternate transcript NM_015548.4, and corresponds to NM_001723.5:c.*111492C>T in the primary transcript. This sequence change replaces threonine, which is neutral and polar, with isoleucine, which is neutral and non-polar, at codon 3890 of the DST protein (p.Thr3890Ile). This variant is not present in population databases (gnomAD no frequency). This variant has not been reported in the literature in individuals affected with DST-related conditions. Experimental studies and prediction algorithms are not available or were not evaluated, and the functional significance of this variant is currently unknown. In summary, the available evidence is currently insufficient to determine the role of this variant in disease. Therefore, it has been classified as a Variant of Uncertain Significance.

Ambry Genetics
Classification: Uncertain significance for Inborn genetic diseases. Last evaluated: 2023-04-26. Review status: criteria provided, single submitter. Criteria: Ambry Variant Classification Scheme 2023. Collection method: clinical testing. Allele origin: germline.

NM_001374736.1(DST):c.19538C>T (p.Thr6513Ile)

Gene: DST (dystonin; minus strand). Cytogenetic location: 6p12.1.
Variant type: single nucleotide variant.
Coding change: c.19538C>T on transcript NM_001374736.1 (MANE Select); coding-DNA position 19538, C replaced by T.
Protein change: p.Thr6513Ile; replaces threonine 6513 with isoleucine.
Molecular consequence: missense variant.
Genome position (GRCh38, 1-based): chr6:56,504,025, G>A on the plus strand (C>T on the coding strand, the complement: DST is on the minus strand). VCF-style: chr6-56504025-G-A. GRCh37 (hg19) VCF-style: chr6-56368823-G-A.
Other names: c.13181C>T (NM_001144769.2); c.13181C>T, p.Thr4394Ile (NM_001144769.5); c.12767C>T, p.Thr4256Ile (NM_001144770.2); c.19538C>T, p.Thr6513Ile (NM_001374722.1); c.18578C>T, p.Thr6193Ile (NM_001374729.1); c.12320C>T, p.Thr4107Ile (NM_001374730.1); c.19565C>T, p.Thr6522Ile (NM_001374734.1); c.12647C>T, p.Thr4216Ile (NM_001386100.1, NM_183380.4); and 1 more; short protein forms T3890I, T4107I, T4216I, T4256I, T4394I, T6193I, T6513I, T6522I.
Identifiers: ClinVar variation 1022547 (VCV001022547.9), dbSNP rs200108872, ClinGen allele CA139194004.
Genomic context (GRCh38, chr6:56,504,025, plus strand): 5'-GGAGTCTTCGATAAATTAGCCCCCACACATACCTTTAGCTCTTCAATCTGCTGCTTGACA[G>A]TTTCGAGATCTGTTCCAATTGGAGACATTGAAGCTAATTTACCACCTGCAATATCTACCC-3'
Protein context (NP_001361665.1, residues 6503-6523): SMSPIGTDLE[Thr6513Ile]VKQQIEELKQ